The following is an entry in ClinVar:

ClinVar aggregate classification (germline): Uncertain significance. Review status: criteria provided, multiple submitters, no conflicts (2 of 4 stars). 2 submissions from 2 submitters: Uncertain significance (2). Last evaluated 2024-12-06.

Allele frequency attached by ClinVar (database versions not stated): ExAC 0.00009; ESP Exome Variant Server 0.00015; gnomAD 0.00009; TOPMed 0.00010.
gnomAD v4.1: 177 of 1,608,288 alleles (0.011%); highest among the groups gnomAD compares: Non-Finnish European, 0.015%; no homozygotes.

Submissions (2):

Mayo Clinic Laboratories, Mayo Clinic
Classification: Uncertain significance. Last evaluated: 2024-12-06. Review status: criteria provided, single submitter. Criteria: ACMG Guidelines, 2015. Collection method: clinical testing. Allele origin: germline. Observed: 2 variant alleles.
Comment: BP4_moderate

Labcorp Genetics (formerly Invitae), Labcorp
Classification: Uncertain significance. Last evaluated: 2023-01-04. Review status: criteria provided, single submitter. Criteria: Invitae Variant Classification Sherloc (09022015). Collection method: clinical testing. Allele origin: germline.
Comment: In summary, the available evidence is currently insufficient to determine the role of this variant in disease. Therefore, it has been classified as a Variant of Uncertain Significance. Algorithms developed to predict the effect of missense changes on protein structure and function are either unavailable or do not agree on the potential impact of this missense change (SIFT: "Deleterious"; PolyPhen-2: "Benign"; Align-GVGD: "Class C0"). This variant has not been reported in the literature in individuals affected with KIAA0556-related conditions. This variant is present in population databases (rs201073350, gnomAD 0.01%). This sequence change replaces glycine, which is neutral and non-polar, with valine, which is neutral and non-polar, at codon 411 of the KIAA0556 protein (p.Gly411Val).

Literature cited by the submitters: PubMed 33270637 (cited by Mayo Clinic Laboratories, Mayo Clinic).

NM_015202.5(KATNIP):c.1232G>T (p.Gly411Val)

Gene: KATNIP (katanin interacting protein; plus strand). Cytogenetic location: 16p12.1.
Variant type: single nucleotide variant.
Coding change: c.1232G>T on transcript NM_015202.5 (MANE Select); coding-DNA position 1232, G replaced by T.
Protein change: p.Gly411Val; replaces glycine 411 with valine.
Molecular consequence: missense variant.
Genome position (GRCh38, 1-based): chr16:27,701,641, G>T. VCF-style: chr16-27701641-G-T. GRCh37 (hg19) VCF-style: chr16-27712962-G-T.
Other names: p.Gly411Val; c.1232G>T (NM_015202.4); short protein forms G411V.
Identifiers: ClinVar variation 2186361 (VCV002186361.4), dbSNP rs201073350, ClinGen allele CA7977629.